The following is an entry in ClinVar:

NM_003126.4(SPTA1):c.2903A>C (p.Gln968Pro)

Gene: SPTA1 (spectrin alpha, erythrocytic 1; minus strand). Cytogenetic location: 1q23.1.
Variant type: single nucleotide variant.
Coding change: c.2903A>C on transcript NM_003126.4 (MANE Select); coding-DNA position 2903, A replaced by C.
Protein change: p.Gln968Pro; replaces glutamine 968 with proline.
Molecular consequence: missense variant.
Genome position (GRCh38, 1-based): chr1:158,654,744, T>G on the plus strand (A>C on the coding strand, the complement: SPTA1 is on the minus strand). VCF-style: chr1-158654744-T-G. GRCh37 (hg19) VCF-style: chr1-158624534-T-G.
Other names: short protein forms Q968P.
Identifiers: ClinVar variation 3719119 (VCV003719119.2).

ClinVar aggregate classification (germline): Uncertain significance (1 of 4 stars; one submission).

gnomAD v4.1: 20 of 1,613,480 alleles (0.0012%); highest among the groups gnomAD compares: Admixed American, 0.005%; 1 homozygote.

Submission:

Labcorp Genetics (formerly Invitae), Labcorp
Classification: Uncertain significance. Last evaluated: 2025-02-02. Review status: criteria provided, single submitter. Criteria: Invitae Variant Classification Sherloc (09022015). Collection method: clinical testing. Allele origin: germline.
Comment: This sequence change replaces glutamine, which is neutral and polar, with proline, which is neutral and non-polar, at codon 968 of the SPTA1 protein (p.Gln968Pro). This variant is present in population databases (no rsID available, gnomAD 0.003%). This variant has not been reported in the literature in individuals affected with SPTA1-related conditions. Invitae Evidence Modeling of protein sequence and biophysical properties (such as structural, functional, and spatial information, amino acid conservation, physicochemical variation, residue mobility, and thermodynamic stability) indicates that this missense variant is not expected to disrupt SPTA1 protein function with a negative predictive value of 80%. In summary, the available evidence is currently insufficient to determine the role of this variant in disease. Therefore, it has been classified as a Variant of Uncertain Significance.